The following is an entry in ClinVar:

ClinVar aggregate classification (germline): Likely benign. Review status: criteria provided, multiple submitters, no conflicts (2 of 4 stars). 2 submissions from 2 submitters: Likely benign (2). Last evaluated 2024-11-04.

Conditions:
Multiple endocrine neoplasia, type 1 (MEN1). Also called: MEN I; WERMER SYNDROME; Endocrine adenomatosis multiple; MEN 1; MEA I. Identifiers: Orphanet 652, MedGen C0025267, MeSH D018761, MONDO:0007540, OMIM 131100.

Allele frequency attached by ClinVar (database versions not stated): gnomAD exomes below 0.00001.
gnomAD v4.1: 1 of 1,614,024 alleles (0.000062%); highest among the groups gnomAD compares: Non-Finnish European, 0.000085%; no homozygotes.

Submissions (2):

Myriad Genetics, Inc.
Classification: Likely benign for Multiple endocrine neoplasia, type 1. Last evaluated: 2024-11-04. Review status: criteria provided, single submitter. Criteria: Myriad Autosomal Dominant, Autosomal Recessive and X-Linked Classification Criteria (2023). Collection method: clinical testing. Allele origin: unknown.
Comment: This variant is considered likely benign. This variant is intronic and is not expected to impact mRNA splicing.

Labcorp Genetics (formerly Invitae), Labcorp
Classification: Likely benign for Multiple endocrine neoplasia, type 1. Last evaluated: 2023-05-31. Review status: criteria provided, single submitter. Criteria: Invitae Variant Classification Sherloc (09022015). Collection method: clinical testing. Allele origin: germline.

NM_001370259.2(MEN1):c.824+10G>A

Gene: MEN1 (menin 1; minus strand). Cytogenetic location: 11q13.1.
Variant type: single nucleotide variant.
Coding change: c.824+10G>A on transcript NM_001370259.2 (MANE Select); 10 bases into the intron after coding-DNA position 824, G replaced by A.
Molecular consequence: intron variant.
Genome position (GRCh38, 1-based): chr11:64,807,169, C>T on the plus strand (G>A on the coding strand, the complement: MEN1 is on the minus strand). VCF-style: chr11-64807169-C-T. GRCh37 (hg19) VCF-style: chr11-64574641-C-T.
Other names: c.719+10G>A (NM_001370263.2, NM_001370262.2, NM_001407148.1 and 2 more transcripts); c.824+10G>A (NM_001407152.1, NM_001407142.1, NM_001407146.1 and 7 more transcripts); c.839+10G>A (NM_130800.3, NM_001407145.1, NM_130802.3 and 5 more transcripts).
Identifiers: ClinVar variation 3023661 (VCV003023661.4), dbSNP rs2136132296, ClinGen allele CA2614206949.